The following is an entry in ClinVar:

ClinVar aggregate classification (germline): Benign. Review status: criteria provided, multiple submitters, no conflicts (2 of 4 stars). 3 submissions from 3 submitters: Benign (2). 1 of the submissions does not count toward it. Last evaluated 2018-07-23.

Conditions:
PTPRT-related disorder. Also called: PTPRT-related condition.

Allele frequency attached by ClinVar (database versions not stated): gnomAD exomes 0.00018 and 0.00047; ExAC 0.00058; ESP Exome Variant Server 0.00145; gnomAD 0.00186 and 0.00200; TOPMed 0.00199; 1000 Genomes Project 30x 0.00265; 1000 Genomes Project 0.00280.
gnomAD v4.1: 547 of 1,598,778 alleles (0.034%); highest among the groups gnomAD compares: African/African-American, 0.66%; 2 homozygotes.

Submissions (3):

Labcorp Genetics (formerly Invitae), Labcorp
Classification: Benign. Last evaluated: 2018-07-23. Review status: criteria provided, single submitter. Criteria: Invitae Variant Classification Sherloc (09022015). Collection method: clinical testing. Allele origin: germline.

Breakthrough Genomics
Classification: Benign. Review status: criteria provided, single submitter. Criteria: ACMG Guidelines, 2015. Collection method: not provided. Allele origin: germline. Inheritance: Unknown mechanism. Affected: yes.

PreventionGenetics, part of Exact Sciences
Classification: Likely benign for PTPRT-related condition. Last evaluated: 2019-03-21. Review status: no assertion criteria provided. Collection method: clinical testing. Allele origin: germline. Not counted in ClinVar's aggregate classification.
Comment: This variant is classified as likely benign based on ACMG/AMP sequence variant interpretation guidelines (Richards et al. 2015 PMID: 25741868, with internal and published modifications).

NM_007050.6(PTPRT):c.456C>T (p.Ala152=)

Gene: PTPRT (protein tyrosine phosphatase receptor type T; minus strand). Cytogenetic location: 20q12.
Variant type: single nucleotide variant.
Coding change: c.456C>T on transcript NM_007050.6 (MANE Select); coding-DNA position 456, C replaced by T.
Protein change: p.Ala152=; no amino-acid change (alanine 152 retained).
Molecular consequence: synonymous variant.
Genome position (GRCh38, 1-based): chr20:42,791,225, G>A on the plus strand (C>T on the coding strand, the complement: PTPRT is on the minus strand). VCF-style: chr20-42791225-G-A. GRCh37 (hg19) VCF-style: chr20-41419865-G-A.
Other names: c.456C>T, p.Ala152= (NM_133170.4).
Identifiers: ClinVar variation 709306 (VCV000709306.6), dbSNP rs180829060, ClinGen allele CA9864843.
Genomic context (GRCh38, chr20:42,791,225, plus strand): 5'-CAAAAATAAAACCATGGTAAAATGCCATACCTGATAGAAATGTGGCCAGAAAGTGCTGAT[G>A]GCGAGCTCTGCCTTCACCCAGCCCTCAGTGACGACCCCGGACACATTCCACACAGGGTTC-3'
Protein context (NP_008981.4, residues 142-162): VTEGWVKAEL[Ala152=]ISTFWPHFYQ